The following is an entry in ClinVar:

ClinVar aggregate classification (germline): Conflicting classifications of pathogenicity. Review status: criteria provided, conflicting classifications (1 of 4 stars). 2 submissions from 2 submitters: Uncertain significance (1); Likely benign (1). Last evaluated 2022-08-10.

Allele frequency attached by ClinVar (database versions not stated): gnomAD 0.00001; gnomAD exomes 0.00001; TOPMed 0.00002; 1000 Genomes Project 0.00020; 1000 Genomes Project 30x 0.00031.
gnomAD v4.1: 8 of 1,495,756 alleles (0.00053%); highest among the groups gnomAD compares: Admixed American, 0.016%; no homozygotes.

Submissions (2):

Blueprint Genetics
Classification: Likely benign. Last evaluated: 2022-08-10. Review status: criteria provided, single submitter. Criteria: ACMG Guidelines, 2015. Collection method: clinical testing. Allele origin: germline.

Labcorp Genetics (formerly Invitae), Labcorp
Classification: Uncertain significance. Last evaluated: 2022-06-01. Review status: criteria provided, single submitter. Criteria: Invitae Variant Classification Sherloc (09022015). Collection method: clinical testing. Allele origin: germline.
Comment: This sequence change replaces threonine, which is neutral and polar, with serine, which is neutral and polar, at codon 865 of the CPLANE1 protein (p.Thr865Ser). This variant is present in population databases (rs577616180, gnomAD 0.05%). This variant has not been reported in the literature in individuals affected with CPLANE1-related conditions. Advanced modeling of protein sequence and biophysical properties (such as structural, functional, and spatial information, amino acid conservation, physicochemical variation, residue mobility, and thermodynamic stability) performed at Invitae indicates that this missense variant is not expected to disrupt CPLANE1 protein function. In summary, the available evidence is currently insufficient to determine the role of this variant in disease. Therefore, it has been classified as a Variant of Uncertain Significance.

NM_001384732.1(CPLANE1):c.2593A>T (p.Thr865Ser)

Gene: CPLANE1 (ciliogenesis and planar polarity effector complex subunit 1; minus strand). Cytogenetic location: 5p13.2.
Variant type: single nucleotide variant.
Coding change: c.2593A>T on transcript NM_001384732.1 (MANE Select); coding-DNA position 2593, A replaced by T.
Protein change: p.Thr865Ser; replaces threonine 865 with serine.
Molecular consequence: missense variant.
Genome position (GRCh38, 1-based): chr5:37,221,477, T>A on the plus strand (A>T on the coding strand, the complement: CPLANE1 is on the minus strand). VCF-style: chr5-37221477-T-A. GRCh37 (hg19) VCF-style: chr5-37221579-T-A.
Other names: c.2593A>T, p.Thr865Ser (NM_023073.4); short protein forms T865S.
Identifiers: ClinVar variation 2070789 (VCV002070789.2), dbSNP rs577616180, ClinGen allele CA117053420.